The following is an entry in ClinVar:

ClinVar aggregate classification (germline): Uncertain significance (1 of 4 stars; one submission).

Conditions:
Arrhythmogenic right ventricular dysplasia 11. Also called: Arrhythmogenic Right Ventricular Dysplasia/Cardiomyopathy11; ARRHYTHMOGENIC RIGHT VENTRICULAR DYSPLASIA, FAMILIAL, 11; Arrhythmogenic right ventricular dysplasia 11 with mild palmoplantar keratoderma and woolly hair. Identifiers: MedGen C1864850, MONDO:0012506, OMIM 610476.

Submission:

Labcorp Genetics (formerly Invitae), Labcorp
Classification: Uncertain significance for Arrhythmogenic right ventricular dysplasia 11. Last evaluated: 2022-08-18. Review status: criteria provided, single submitter. Criteria: Invitae Variant Classification Sherloc (09022015). Collection method: clinical testing. Allele origin: germline.
Comment: In summary, the available evidence is currently insufficient to determine the role of this variant in disease. Therefore, it has been classified as a Variant of Uncertain Significance. Algorithms developed to predict the effect of sequence changes on RNA splicing suggest that this variant is not likely to affect RNA splicing. This variant has not been reported in the literature in individuals affected with DSC2-related conditions. This variant is not present in population databases (gnomAD no frequency). This sequence change affects codon 258 of the DSC2 mRNA. It is a 'silent' change, meaning that it does not change the encoded amino acid sequence of the DSC2 protein. It affects a nucleotide within the consensus splice site.

NM_024422.6(DSC2):c.774G>C (p.Val258=)

Gene: DSC2 (desmocollin 2; minus strand). Cytogenetic location: 18q12.1.
Variant type: single nucleotide variant.
Coding change: c.774G>C on transcript NM_024422.6 (MANE Select); coding-DNA position 774, G replaced by C.
Protein change: p.Val258=; no amino-acid change (valine 258 retained).
Molecular consequence: synonymous variant.
Genome position (GRCh38, 1-based): chr18:31,087,670, C>G on the plus strand (G>C on the coding strand, the complement: DSC2 is on the minus strand). VCF-style: chr18-31087670-C-G. GRCh37 (hg19) VCF-style: chr18-28667633-C-G.
Other names: c.345G>C, p.Val115= (NM_001406506.1, NM_001406507.1); c.774G>C, p.Val258= (NM_004949.5).
Identifiers: ClinVar variation 1912096 (VCV001912096.5), dbSNP rs2510952340, ClinGen allele CA503389171.